The following is an entry in ClinVar:

ClinVar aggregate classification (germline): Pathogenic (1 of 4 stars; one submission).

Conditions:
Polyglandular autoimmune syndrome, type 1 (APS1). Also called: AUTOIMMUNE POLYENDOCRINE SYNDROME, TYPE I, WITH OR WITHOUT REVERSIBLE METAPHYSEAL DYSPLASIA; PGA I; Autoimmune polyendocrinopathy syndrome , type I, with or without reversible metaphyseal dysplasia; Autoimmune polyendocrinopathy syndrome, type I; APS I; HYPOADRENOCORTICISM WITH HYPOPARATHYROIDISM AND SUPERFICIAL MONILIASIS. Identifiers: Orphanet 3453, MedGen C0085859, MONDO:0009411, OMIM 240300.

Submission:

Labcorp Genetics (formerly Invitae), Labcorp
Classification: Pathogenic for Polyglandular autoimmune syndrome, type 1. Last evaluated: 2024-01-22. Review status: criteria provided, single submitter. Criteria: Invitae Variant Classification Sherloc (09022015). Collection method: clinical testing. Allele origin: germline.
Comment: This sequence change creates a premature translational stop signal (p.Arg356Glyfs*22) in the AIRE gene. It is expected to result in an absent or disrupted protein product. Loss-of-function variants in AIRE are known to be pathogenic (PMID: 11524731, 26141571). This variant is not present in population databases (gnomAD no frequency). This variant has not been reported in the literature in individuals affected with AIRE-related conditions. For these reasons, this variant has been classified as Pathogenic.

Literature cited by the submitters: PubMed 11524731; PubMed 26141571.

NM_000383.4(AIRE):c.1066del (p.Arg356fs)

Gene: AIRE (autoimmune regulator; plus strand). Cytogenetic location: 21q22.3.
Variant type: Deletion.
Coding change: c.1066del on transcript NM_000383.4 (MANE Select); coding-DNA position 1066, one base deleted (C; older notation c.1066delC).
Protein change: p.Arg356fs; shifts the reading frame from arginine 356.
Molecular consequence: frameshift variant.
Genome position (GRCh38, 1-based): chr21:44,292,372, C deleted; the last of 4 consecutive C bases (chr21:44,292,369-44,292,372); deleting any one gives the same sequence. VCF-style (leftmost placement, unchanged base first): chr21-44292368-GC-G. GRCh37 (hg19) VCF-style: chr21-45712251-GC-G.
Other names: short protein forms R356fs.
Identifiers: ClinVar variation 2999305 (VCV002999305.3), dbSNP rs1555872879, ClinGen allele CA2577620090.